The following is an entry in ClinVar:

ClinVar aggregate classification (germline): Likely benign. Review status: criteria provided, single submitter (1 of 4 stars). 2 submissions from 2 submitters: Likely benign (1). 1 of the submissions does not count toward it. Last evaluated 2024-08-20.

Conditions:
FLCN-related disorder. Also called: FLCN-related condition.

Allele frequency attached by ClinVar (database versions not stated): gnomAD 0.00004.
gnomAD v4.1: 40 of 1,613,942 alleles (0.0025%); highest among the groups gnomAD compares: South Asian, 0.018%; no homozygotes.

Submissions (2):

Blueprint Genetics
Classification: Likely benign. Last evaluated: 2024-08-20. Review status: criteria provided, single submitter. Criteria: ACMG Guidelines, 2015. Collection method: clinical testing. Allele origin: germline.

PreventionGenetics, part of Exact Sciences
Classification: Likely benign for FLCN-related condition. Last evaluated: 2019-03-01. Review status: no assertion criteria provided. Collection method: clinical testing. Allele origin: germline. Not counted in ClinVar's aggregate classification.
Comment: This variant is classified as likely benign based on ACMG/AMP sequence variant interpretation guidelines (Richards et al. 2015 PMID: 25741868, with internal and published modifications).

NM_144997.7(FLCN):c.871+44G>A

Gene: FLCN (folliculin; minus strand). Cytogenetic location: 17p11.2.
Variant type: single nucleotide variant.
Coding change: c.871+44G>A on transcript NM_144997.7 (MANE Select); 44 bases into the intron after coding-DNA position 871, G replaced by A.
Molecular consequence: intron variant. On other transcripts: synonymous variant (1).
Genome position (GRCh38, 1-based): chr17:17,221,493, C>T on the plus strand (G>A on the coding strand, the complement: FLCN is on the minus strand). VCF-style: chr17-17221493-C-T. GRCh37 (hg19) VCF-style: chr17-17124807-C-T.
Other names: c.915G>A, p.Pro305= (NM_144606.7); c.871+44G>A (NM_001353231.2, NM_001353230.2); c.925+44G>A (NM_001353229.2).
Identifiers: ClinVar variation 3047723 (VCV003047723.3), dbSNP rs757688846, ClinGen allele CA8416255.